The following is an entry in ClinVar:

ClinVar aggregate classification (germline): Uncertain significance (1 of 4 stars; one submission).

Conditions:
MHC class II deficiency. Also called: Bare lymphocyte syndrome 2; BLS, TYPE II. Identifiers: Orphanet 572, MedGen C5447452, MONDO:0008855.

gnomAD v4.1: 7 of 1,605,412 alleles (0.00044%); highest among the groups gnomAD compares: Middle Eastern, 0.017%; no homozygotes.

Submission:

Labcorp Genetics (formerly Invitae), Labcorp
Classification: Uncertain significance for MHC class II deficiency. Last evaluated: 2022-06-20. Review status: criteria provided, single submitter. Criteria: Invitae Variant Classification Sherloc (09022015). Collection method: clinical testing. Allele origin: germline.
Comment: This sequence change replaces arginine, which is basic and polar, with tryptophan, which is neutral and slightly polar, at codon 795 of the CIITA protein (p.Arg795Trp). This variant is present in population databases (no rsID available, gnomAD no frequency). This variant has not been reported in the literature in individuals affected with CIITA-related conditions. Algorithms developed to predict the effect of missense changes on protein structure and function are either unavailable or do not agree on the potential impact of this missense change (SIFT: "Deleterious"; PolyPhen-2: "Probably Damaging"; Align-GVGD: "Class C0"). In summary, the available evidence is currently insufficient to determine the role of this variant in disease. Therefore, it has been classified as a Variant of Uncertain Significance.

NM_000246.4(CIITA):c.2383C>T (p.Arg795Trp)

Gene: CIITA (class II major histocompatibility complex transactivator; plus strand). Cytogenetic location: 16p13.13.
Variant type: single nucleotide variant.
Coding change: c.2383C>T on transcript NM_000246.4 (MANE Select); coding-DNA position 2383, C replaced by T.
Protein change: p.Arg795Trp; replaces arginine 795 with tryptophan.
Molecular consequence: missense variant. On other transcripts: intron variant (1).
Genome position (GRCh38, 1-based): chr16:10,907,875, C>T. VCF-style: chr16-10907875-C-T. GRCh37 (hg19) VCF-style: chr16-11001732-C-T.
Other names: c.2386C>T, p.Arg796Trp (NM_001286402.1, NM_001379332.1); c.2239C>T, p.Arg747Trp (NM_001379330.1); c.2236C>T, p.Arg746Trp (NM_001379331.1); c.2383C>T, p.Arg795Trp (NM_001379333.1); c.2314C>T, p.Arg772Trp (NM_001379334.1); c.860-1108C>T (NM_001286403.2); short protein forms R795W, R772W, R796W, R746W, R747W.
Identifiers: ClinVar variation 2180269 (VCV002180269.1), dbSNP rs1253384874, ClinGen allele CA394733187.